The following is an entry in ClinVar:

ClinVar aggregate classification (germline): Uncertain significance (1 of 4 stars; one submission).

Allele frequency attached by ClinVar (database versions not stated): ExAC 0.00001; gnomAD exomes 0.00001 and 0.00002; gnomAD 0.00004.
gnomAD v4.1: 27 of 1,612,962 alleles (0.0017%); highest among the groups gnomAD compares: Admixed American, 0.0033%; no homozygotes.

Submission:

GeneDx
Classification: Uncertain significance. Last evaluated: 2021-10-07. Review status: criteria provided, single submitter. Criteria: GeneDx Variant Classification Process June 2021. Collection method: clinical testing. Allele origin: germline. Affected: yes.
Comment: Not observed at significant frequency in large population cohorts (Lek et al., 2016); In silico analysis supports that this missense variant has a deleterious effect on protein structure/function; Splice predictors suggest this variant may impact gene splicing. In the absence of RNA/functional studies, the actual effect of this sequence change is unknown.; Has not been previously published as pathogenic or benign to our knowledge

NM_024876.4(COQ8B):c.533G>A (p.Arg178Gln)

Gene: COQ8B (coenzyme Q8B; minus strand). Cytogenetic location: 19q13.2.
Variant type: single nucleotide variant.
Coding change: c.533G>A on transcript NM_024876.4 (MANE Select); coding-DNA position 533, G replaced by A.
Protein change: p.Arg178Gln; replaces arginine 178 with glutamine.
Molecular consequence: missense variant.
Genome position (GRCh38, 1-based): chr19:40,705,139, C>T on the plus strand (G>A on the coding strand, the complement: COQ8B is on the minus strand). VCF-style: chr19-40705139-C-T. GRCh37 (hg19) VCF-style: chr19-41211044-C-T.
Other names: c.410G>A, p.Arg137Gln (NM_001142555.3); short protein forms R137Q, R178Q.
Identifiers: ClinVar variation 1301428 (VCV001301428.2), dbSNP rs771548569, ClinGen allele CA9450379.